The following is an entry in ClinVar:

NM_032638.5(GATA2):c.156C>G (p.Leu52=)

Gene: GATA2 (GATA binding protein 2; minus strand). Cytogenetic location: 3q21.3.
Variant type: single nucleotide variant.
Coding change: c.156C>G on transcript NM_032638.5 (MANE Select); coding-DNA position 156, C replaced by G.
Protein change: p.Leu52=; no amino-acid change (leucine 52 retained).
Molecular consequence: synonymous variant.
Genome position (GRCh38, 1-based): chr3:128,486,876, G>C on the plus strand (C>G on the coding strand, the complement: GATA2 is on the minus strand). VCF-style: chr3-128486876-G-C. GRCh37 (hg19) VCF-style: chr3-128205719-G-C.
Other names: p.Leu52=; c.156C>G, p.Leu52= (NM_001145661.2, NM_001145662.1).
Identifiers: ClinVar variation 412765 (VCV000412765.16), dbSNP rs201821076, ClinGen allele CA2600095.

ClinVar aggregate classification (germline): Likely benign. Review status: criteria provided, multiple submitters, no conflicts (2 of 4 stars). 4 submissions from 4 submitters: Likely benign (4). Last evaluated 2026-04-01.

Conditions:
Inborn genetic diseases. Identifiers: MedGen C0950123, MeSH D030342.
Deafness-lymphedema-leukemia syndrome. Also called: Emberger syndrome; Lymphedema, primary, with myelodysplasia. Identifiers: Orphanet 3226, MedGen C3279664, MONDO:0013540, OMIM 614038.
Monocytopenia with susceptibility to infections. Also called: MONOCYTOPENIA AND MYCOBACTERIAL INFECTION SYNDROME; MONOCYTOPENIA WITH SUSCEPTIBILITY TO MYCOBACTERIAL, FUNGAL, AND PAPILLOMAVIRUS INFECTIONS AND MYELODYSPLASIA; COMBINED IMMUNODEFICIENCY WITH SUSCEPTIBILITY TO MYCOBACTERIAL, VIRAL, AND FUNGAL INFECTIONS; Dendritic cell, monocyte, B lymphocyte, and natural killer lymphocyte deficiency; IMMUNODEFICIENCY 21; GATA2 DEFICIENCY. Identifiers: Orphanet 228423, MedGen C3280030, MONDO:0013607, OMIM 614172.

Allele frequency attached by ClinVar (database versions not stated): gnomAD 0.00003; TOPMed 0.00003; ESP Exome Variant Server 0.00008; 1000 Genomes Project 30x 0.00016; 1000 Genomes Project 0.00020.
gnomAD v4.1: 29 of 1,612,626 alleles (0.0018%); highest among the groups gnomAD compares: Admixed American, 0.047%; no homozygotes.

Submissions (4):

CeGaT Center for Human Genetics Tuebingen
Classification: Likely benign. Last evaluated: 2026-04-01. Review status: criteria provided, single submitter. Criteria: CeGaT Center For Human Genetics Tuebingen Variant Classification Criteria Version 2. Collection method: clinical testing. Allele origin: germline. Affected: yes. Observed: 1 variant allele.
Comment: GATA2: BP4, BP7

Labcorp Genetics (formerly Invitae), Labcorp
Classification: Likely benign for Monocytopenia with susceptibility to infections; Deafness-lymphedema-leukemia syndrome. Last evaluated: 2025-11-30. Review status: criteria provided, single submitter. Criteria: Invitae Variant Classification Sherloc (09022015). Collection method: clinical testing. Allele origin: germline.

Mayo Clinic Laboratories, Mayo Clinic
Classification: Likely benign. Last evaluated: 2024-10-14. Review status: criteria provided, single submitter. Criteria: ACMG Guidelines, 2015. Collection method: clinical testing. Allele origin: germline. Observed: 1 variant allele.
Comment: BP4, BP7

Ambry Genetics
Classification: Likely benign for Inborn genetic diseases. Last evaluated: 2024-08-21. Review status: criteria provided, single submitter. Criteria: Ambry Variant Classification Scheme 2023. Collection method: clinical testing. Allele origin: germline.